The following is an entry in ClinVar:

NM_015278.5(SASH1):c.1589A>T (p.Asp530Val)

Gene: SASH1 (SAM and SH3 domain containing 1; plus strand). Cytogenetic location: 6q25.1.
Variant type: single nucleotide variant.
Coding change: c.1589A>T on transcript NM_015278.5 (MANE Select); coding-DNA position 1589, A replaced by T.
Protein change: p.Asp530Val; replaces aspartic acid 530 with valine.
Molecular consequence: missense variant.
Genome position (GRCh38, 1-based): chr6:148,532,821, A>T. VCF-style: chr6-148532821-A-T. GRCh37 (hg19) VCF-style: chr6-148853957-A-T.
Other names: c.1454A>T, p.Asp485Val (NM_001346505.2); c.1217A>T, p.Asp406Val (NM_001346506.2); c.872A>T, p.Asp291Val (NM_001346507.2); c.1361A>T, p.Asp454Val (NM_001346508.2); c.1238A>T, p.Asp413Val (NM_001346509.2); short protein forms D291V, D406V, D413V, D454V, D485V, D530V.
Identifiers: ClinVar variation 4975318 (VCV004975318.1).
Genomic context (GRCh38, chr6:148,532,821, plus strand): 5'-GGATCTACCCGTGTTCTTCCTATGTTTCCTGTACAGGCGGTCAAACAGTGAGCACCACTG[A>T]TTCCTCAACCAGCAACCGGGAAAGCGTCAAGTCGGAAGATGGGGATGACGAAGAGCCGCC-3'
Protein context (NP_056093.3, residues 520-540): SMSGQTVSTT[Asp530Val]SSTSNRESVK

ClinVar aggregate classification (germline): Uncertain significance (1 of 4 stars; one submission).

Submission:

GeneDx
Classification: Uncertain significance. Last evaluated: 2026-01-27. Review status: criteria provided, single submitter. Criteria: GeneDx Variant Classification Process June 2021. Collection method: clinical testing. Allele origin: germline.
Comment: Not observed at significant frequency in large population cohorts (gnomAD); In silico analysis supports that this missense variant has a deleterious effect on protein structure/function; In silico analysis suggests this variant may impact gene splicing. In the absence of RNA/functional studies, the actual effect of this sequence change is unknown; Has not been previously published as pathogenic or benign to our knowledge